The following is an entry in ClinVar:

NM_002972.4(SBF1):c.4235G>A (p.Arg1412His)

Gene: SBF1 (SET binding factor 1; minus strand). Cytogenetic location: 22q13.33.
Variant type: single nucleotide variant.
Coding change: c.4235G>A on transcript NM_002972.4 (MANE Select); coding-DNA position 4235, G replaced by A.
Protein change: p.Arg1412His; replaces arginine 1412 with histidine.
Molecular consequence: missense variant.
Genome position (GRCh38, 1-based): chr22:50,456,247, C>T on the plus strand (G>A on the coding strand, the complement: SBF1 is on the minus strand). VCF-style: chr22-50456247-C-T. GRCh37 (hg19) VCF-style: chr22-50894676-C-T.
Other names: c.4235G>A (NM_002972.2); c.4160G>A, p.Arg1387His (NM_001365819.1); short protein forms R1387H, R1412H.
Identifiers: ClinVar variation 1495922 (VCV001495922.6), dbSNP rs1326204153, ClinGen allele CA412198531.

ClinVar aggregate classification (germline): Uncertain significance. Review status: criteria provided, multiple submitters, no conflicts (2 of 4 stars). 2 submissions from 2 submitters: Uncertain significance (2). Last evaluated 2025-11-20.

Allele frequency attached by ClinVar (database versions not stated): gnomAD exomes 0.00004 and 0.00001; TOPMed 0.00001; gnomAD 0.00002.
gnomAD v4.1: 58 of 1,612,182 alleles (0.0036%); highest among the groups gnomAD compares: Non-Finnish European, 0.0044%; no homozygotes.

Submissions (2):

Ambry Genetics
Classification: Uncertain significance. Last evaluated: 2025-11-20. Review status: criteria provided, single submitter. Criteria: Ambry Variant Classification Scheme 2023. Collection method: clinical testing. Allele origin: germline.

Labcorp Genetics (formerly Invitae), Labcorp
Classification: Uncertain significance. Last evaluated: 2022-03-19. Review status: criteria provided, single submitter. Criteria: Invitae Variant Classification Sherloc (09022015). Collection method: clinical testing. Allele origin: germline.
Comment: This sequence change replaces arginine, which is basic and polar, with histidine, which is basic and polar, at codon 1412 of the SBF1 protein (p.Arg1412His). This variant is present in population databases (no rsID available, gnomAD 0.005%). This variant has not been reported in the literature in individuals affected with SBF1-related conditions. Algorithms developed to predict the effect of missense changes on protein structure and function are either unavailable or do not agree on the potential impact of this missense change (SIFT: "Deleterious"; PolyPhen-2: "Possibly Damaging"; Align-GVGD: "Class C0"). In summary, the available evidence is currently insufficient to determine the role of this variant in disease. Therefore, it has been classified as a Variant of Uncertain Significance.